The following is an entry in ClinVar:

ClinVar aggregate classification (germline): Uncertain significance (1 of 4 stars; one submission).

gnomAD v4.1: 3 of 1,613,974 alleles (0.00019%); highest among the groups gnomAD compares: South Asian, 0.0022%; no homozygotes.

Submission:

GeneDx
Classification: Uncertain significance. Last evaluated: 2026-02-10. Review status: criteria provided, single submitter. Criteria: GeneDx Variant Classification Process June 2021. Collection method: clinical testing. Allele origin: germline.
Comment: Not observed at significant frequency in large population cohorts (gnomAD); In silico analysis suggests that this missense variant does not alter protein structure/function; Has not been previously published as pathogenic or benign to our knowledge

NM_006940.6(SOX5):c.1358A>G (p.His453Arg)

Gene: SOX5 (SRY-box transcription factor 5; minus strand). Cytogenetic location: 12p12.1.
Variant type: single nucleotide variant.
Coding change: c.1358A>G on transcript NM_006940.6 (MANE Select); coding-DNA position 1358, A replaced by G.
Protein change: p.His453Arg; replaces histidine 453 with arginine.
Molecular consequence: missense variant. On other transcripts: intron variant (1).
Genome position (GRCh38, 1-based): chr12:23,563,388, T>C on the plus strand (A>G on the coding strand, the complement: SOX5 is on the minus strand). VCF-style: chr12-23563388-T-C. GRCh37 (hg19) VCF-style: chr12-23716322-T-C.
Other names: c.1328A>G, p.His443Arg (NM_001261415.3); c.1253A>G, p.His418Arg (NM_001330785.2); c.1319A>G, p.His440Arg (NM_152989.5); c.200A>G, p.His67Arg (NM_178010.4); c.1126-16964A>G (NM_001261414.3); short protein forms H418R, H440R, H443R, H453R, H67R.
Identifiers: ClinVar variation 4976487 (VCV004976487.1).